The following is an entry in ClinVar:

ClinVar aggregate classification (germline): Conflicting classifications of pathogenicity. Review status: criteria provided, conflicting classifications (1 of 4 stars). 6 submissions from 5 submitters: Uncertain significance (3); Likely benign (3). Last evaluated 2026-01-19.

Conditions:
Junctional epidermolysis bullosa. Identifiers: Orphanet 305, MedGen C0079301, MONDO:0017612.
Junctional epidermolysis bullosa gravis of Herlitz. Also called: JEB-HERLITZ TYPE; EPIDERMOLYSIS BULLOSA JUNCTIONALIS, HERLITZ TYPE; EPIDERMOLYSIS BULLOSA, JUNCTIONAL, HERLITZ-PEARSON TYPE; Epidermolysis Bullosa Letalis; EPIDERMOLYSIS BULLOSA, JUNCTIONAL 1B, SEVERE; Herlitz-type junctional epidermolysis bullosa. Identifiers: Orphanet 79404, MedGen C0079683, MONDO:0009182, OMIM 226700.
Junctional epidermolysis bullosa, non-Herlitz type. Also called: EPIDERMOLYSIS BULLOSA JUNCTIONALIS, DISENTIS TYPE; EPIDERMOLYSIS BULLOSA JUNCTIONALIS, NON-HERLITZ TYPE; EPIDERMOLYSIS BULLOSA JUNCTIONALIS, PROGRESSIVE; EPIDERMOLYSIS BULLOSA JUNCTIONALIS, SEVERE NONLETHAL; Adult junctional epidermolysis bullosa; COL17A1-Related Junctional Epidermolysis Bullosa. Identifiers: Orphanet 251393, Orphanet 79402, Orphanet 79405, Orphanet 89840, MedGen C0268374, MONDO:0009180, OMIM 226650.
LAMB3-related disorder. Also called: LAMB3-related condition.

Allele frequency attached by ClinVar (database versions not stated): 1000 Genomes Project 0.00020; 1000 Genomes Project 30x 0.00047; gnomAD 0.00047 and 0.00051; TOPMed 0.00053; gnomAD exomes 0.00070 and 0.00087; ExAC 0.00082; ESP Exome Variant Server 0.00085.
gnomAD v4.1: 1,349 of 1,614,082 alleles (0.084%); highest among the groups gnomAD compares: Non-Finnish European, 0.1%; 2 homozygotes.

Submissions (6):

Labcorp Genetics (formerly Invitae), Labcorp
Classification: Likely benign. Last evaluated: 2026-01-19. Review status: criteria provided, single submitter. Criteria: Invitae Variant Classification Sherloc (09022015). Collection method: clinical testing. Allele origin: germline.

PreventionGenetics, part of Exact Sciences
Classification: Likely benign for LAMB3-related condition. Last evaluated: 2025-10-13. Review status: criteria provided, single submitter. Criteria: ACMG Guidelines, 2015. Collection method: clinical testing. Allele origin: germline.
Comment: This variant is classified as likely benign based on ACMG/AMP sequence variant interpretation guidelines (Richards et al. 2015 PMID: 25741868, with internal and published modifications).

Blueprint Genetics
Classification: Likely benign. Last evaluated: 2024-09-21. Review status: criteria provided, single submitter. Criteria: ACMG Guidelines, 2015. Collection method: clinical testing. Allele origin: germline.

Genome-Nilou Lab
Classification: Uncertain significance for Junctional epidermolysis bullosa gravis of Herlitz. Last evaluated: 2021-07-14. Review status: criteria provided, single submitter. Criteria: ACMG Guidelines, 2015. Collection method: clinical testing. Allele origin: germline. Affected: no.

Genome-Nilou Lab
Classification: Uncertain significance for Junctional epidermolysis bullosa, non-Herlitz type. Last evaluated: 2021-07-14. Review status: criteria provided, single submitter. Criteria: ACMG Guidelines, 2015. Collection method: clinical testing. Allele origin: germline. Affected: no.

Illumina Laboratory Services, Illumina
Classification: Uncertain significance for Junctional epidermolysis bullosa. Last evaluated: 2018-01-13. Review status: criteria provided, single submitter. Criteria: ICSL Variant Classification Criteria 13 December 2019. Collection method: clinical testing. Allele origin: germline.

NM_000228.3(LAMB3):c.777C>T (p.Cys259=)

Gene: LAMB3 (laminin subunit beta 3; minus strand). Cytogenetic location: 1q32.2.
Variant type: single nucleotide variant.
Coding change: c.777C>T on transcript NM_000228.3 (MANE Select); coding-DNA position 777, C replaced by T.
Protein change: p.Cys259=; no amino-acid change (cysteine 259 retained).
Molecular consequence: synonymous variant.
Genome position (GRCh38, 1-based): chr1:209,632,628, G>A on the plus strand (C>T on the coding strand, the complement: LAMB3 is on the minus strand). VCF-style: chr1-209632628-G-A. GRCh37 (hg19) VCF-style: chr1-209805973-G-A.
Other names: c.777C>T, p.Cys259= (NM_001017402.2, NM_001127641.1).
Identifiers: ClinVar variation 295129 (VCV000295129.20), dbSNP rs146529524, ClinGen allele CA1375849.